The following is an entry in ClinVar:

NM_016156.6(MTMR2):c.430C>T (p.Arg144Ter)

Gene: MTMR2 (myotubularin related protein 2; minus strand). Cytogenetic location: 11q21.
Variant type: single nucleotide variant.
Coding change: c.430C>T on transcript NM_016156.6 (MANE Select); coding-DNA position 430, C replaced by T.
Protein change: p.Arg144Ter; replaces arginine 144 with a stop codon.
Molecular consequence: nonsense.
Genome position (GRCh38, 1-based): chr11:95,862,030, G>A on the plus strand (C>T on the coding strand, the complement: MTMR2 is on the minus strand). VCF-style: chr11-95862030-G-A. GRCh37 (hg19) VCF-style: chr11-95595194-G-A.
Other names: c.214C>T, p.Arg72Ter (NM_001243571.2, NM_201278.3, NM_201281.3); short protein forms R72*, R144*.
Identifiers: ClinVar variation 944383 (VCV000944383.7), dbSNP rs1864438088, ClinGen allele CA382429416.
Genomic context (GRCh38, chr11:95,862,030, plus strand): 5'-ACATACATATTATAACATTTACCTTACACACAGTTTCTAGTCCATAAGAATTTTCACCTC[G>A]ACTAGAAGCACCACCAATTTTTTCTACTCTATTTATCACACCAAGGGAAGCATCTAAAAC-3'

ClinVar aggregate classification (germline): Pathogenic (1 of 4 stars; one submission).

Conditions:
Charcot-Marie-Tooth disease type 4. Also called: Charcot-Marie-Tooth, Type 4; Charcot-Marie-Tooth disease, type IV. Identifiers: Orphanet 64749, MedGen C4082197, MONDO:0018995.

Allele frequency attached by ClinVar (database versions not stated): TOPMed below 0.00001; gnomAD 0.00001.
gnomAD v4.1: 2 of 1,613,498 alleles (0.00012%); highest among the groups gnomAD compares: Non-Finnish European, 0.00017%; no homozygotes.

Submission:

Labcorp Genetics (formerly Invitae), Labcorp
Classification: Pathogenic for Charcot-Marie-Tooth disease type 4. Last evaluated: 2019-06-17. Review status: criteria provided, single submitter. Criteria: Invitae Variant Classification Sherloc (09022015). Collection method: clinical testing. Allele origin: germline.
Comment: This sequence change creates a premature translational stop signal (p.Arg144*) in the MTMR2 gene. It is expected to result in an absent or disrupted protein product. This variant is not present in population databases (ExAC no frequency). This variant has not been reported in the literature in individuals with MTMR2-related conditions. Loss-of-function variants in MTMR2 are known to be pathogenic (PMID: 10802647). For these reasons, this variant has been classified as Pathogenic.

Literature cited by the submitters: PubMed 10802647.